The following is an entry in ClinVar:

ClinVar aggregate classification (germline): Uncertain significance (1 of 4 stars; one submission).

Conditions:
Cardiovascular phenotype. Identifiers: MedGen CN230736.

Submission:

Ambry Genetics
Classification: Uncertain significance for Cardiovascular phenotype. Last evaluated: 2026-01-12. Review status: criteria provided, single submitter. Criteria: Ambry Variant Classification Scheme 2023. Collection method: clinical testing. Allele origin: germline.
Comment: The p.G115V variant (also known as c.344G>T), located in coding exon 1 of the GATA4 gene, results from a G to T substitution at nucleotide position 344. The glycine at codon 115 is replaced by valine, an amino acid with dissimilar properties. This amino acid position is conserved. In addition, the in silico prediction for this alteration is inconclusive. Based on the available evidence, the clinical significance of this variant remains unclear.

NM_001308093.3(GATA4):c.344G>T (p.Gly115Val)

Gene: GATA4 (GATA binding protein 4). Cytogenetic location: 8p23.1.
Variant type: single nucleotide variant.
Coding change: c.344G>T on transcript NM_001308093.3 (MANE Select); coding-DNA position 344, G replaced by T.
Protein change: p.Gly115Val; replaces glycine 115 with valine.
Molecular consequence: missense variant. On other transcripts: intron variant (3).
Genome position (GRCh38, 1-based): chr8:11,708,656, G>T. VCF-style: chr8-11708656-G-T. GRCh37 (hg19) VCF-style: chr8-11566165-G-T.
Other names: c.344G>T, p.Gly115Val (NM_002052.5); c.-6+7878G>T (NM_001308094.2); c.-3+642G>T (NM_001374274.1); c.-3+4352G>T (NM_001374273.1); short protein forms G115V.
Identifiers: ClinVar variation 4835714 (VCV004835714.1).